The following is an entry in ClinVar:

ClinVar aggregate classification (germline): Uncertain significance (1 of 4 stars; one submission).

Submission:

Women's Health and Genetics/Laboratory Corporation of America, LabCorp
Classification: Uncertain significance. Last evaluated: 2026-02-18. Review status: criteria provided, single submitter. Criteria: LabCorp Variant Classification Summary - May 2015. Collection method: clinical testing. Allele origin: germline.
Comment: Variant summary: EIF2B5 c.166T>C (p.Phe56Leu) results in a non-conservative amino acid change in the encoded protein sequence. Algorithms developed to predict the effect of missense changes on protein structure and function all suggest that this variant is likely to be disruptive. The variant was absent in 208642 control chromosomes. The available data on variant occurrences in the general population are insufficient to allow any conclusion about variant significance. To our knowledge, no occurrence of c.166T>C in individuals affected with EIF2B5-related conditions and no experimental evidence demonstrating its impact on protein function have been reported. No submitters have cited clinical-significance assessments for this variant to ClinVar. Based on the evidence outlined above, the variant was classified as uncertain significance.

NM_003907.3(EIF2B5):c.166T>C (p.Phe56Leu)

Genes: EIF2B5 (eukaryotic translation initiation factor 2B subunit epsilon; plus strand), LOC129938041 (ATAC-STARR-seq lymphoblastoid silent region 14954; plus strand). Cytogenetic location: 3q27.1.
Variant type: single nucleotide variant.
Coding change: c.166T>C on transcript NM_003907.3 (MANE Select); coding-DNA position 166, T replaced by C.
Protein change: p.Phe56Leu; replaces phenylalanine 56 with leucine.
Molecular consequence: missense variant.
Genome position (GRCh38, 1-based): chr3:184,135,551, T>C. VCF-style: chr3-184135551-T-C. GRCh37 (hg19) VCF-style: chr3-183853339-T-C.
Other names: short protein forms F56L.
Identifiers: ClinVar variation 4848259 (VCV004848259.1).